The following is an entry in ClinVar:

NM_000428.3(LTBP2):c.1251G>A (p.Trp417Ter)

Gene: LTBP2 (latent transforming growth factor beta binding protein 2; minus strand). Cytogenetic location: 14q24.3.
Variant type: single nucleotide variant.
Coding change: c.1251G>A on transcript NM_000428.3 (MANE Select); coding-DNA position 1251, G replaced by A.
Protein change: p.Trp417Ter; replaces tryptophan 417 with a stop codon.
Molecular consequence: nonsense.
Genome position (GRCh38, 1-based): chr14:74,552,335, C>T on the plus strand (G>A on the coding strand, the complement: LTBP2 is on the minus strand). VCF-style: chr14-74552335-C-T. GRCh37 (hg19) VCF-style: chr14-75019038-C-T.
Other names: short protein forms W417*.
Identifiers: ClinVar variation 4761188 (VCV004761188.1).

ClinVar aggregate classification (germline): Pathogenic (1 of 4 stars; one submission).

Submission:

Labcorp Genetics (formerly Invitae), Labcorp
Classification: Pathogenic. Last evaluated: 2026-01-06. Review status: criteria provided, single submitter. Criteria: Invitae Variant Classification Sherloc (09022015). Collection method: clinical testing. Allele origin: germline.
Comment: This sequence change creates a premature translational stop signal (p.Trp417*) in the LTBP2 gene. It is expected to result in an absent or disrupted protein product. Loss-of-function variants in LTBP2 are known to be pathogenic (PMID: 19361779, 19656777, 22025892). This variant is not present in population databases (gnomAD no frequency). This premature translational stop signal has been observed in individual(s) with congenital ectopia lentis (PMID: 38222456). For these reasons, this variant has been classified as Pathogenic.

Literature cited by the submitters: PubMed 19361779; PubMed 19656777; PubMed 22025892; PubMed 38222456.